The following is an entry in ClinVar:

ClinVar aggregate classification (germline): Uncertain significance (1 of 4 stars; one submission).

gnomAD v4.1: 1 of 1,614,150 alleles (0.000062%); highest among the groups gnomAD compares: Non-Finnish European, 0.000085%; no homozygotes.

Submission:

Women's Health and Genetics/Laboratory Corporation of America, LabCorp
Classification: Uncertain significance. Last evaluated: 2024-12-26. Review status: criteria provided, single submitter. Criteria: LabCorp Variant Classification Summary - May 2015. Collection method: clinical testing. Allele origin: germline.
Comment: Variant summary: SLC1A2 c.476A>G (p.Asn159Ser) results in a conservative amino acid change in the encoded protein sequence. Four of five in-silico tools predict a benign effect of the variant on protein function. The variant was absent in 251176 control chromosomes (gnomAD). The available data on variant occurrences in the general population are insufficient to allow any conclusion about variant significance. To our knowledge, no occurrence of c.476A>G in individuals affected with Epileptic Encephalopathy, Early Infantile, 41 and no experimental evidence demonstrating its impact on protein function have been reported. No submitters have cited clinical-significance assessments for this variant to ClinVar. Based on the evidence outlined above, the variant was classified as uncertain significance.

NM_004171.4(SLC1A2):c.476A>G (p.Asn159Ser)

Gene: SLC1A2 (solute carrier family 1 member 2; minus strand). Cytogenetic location: 11p13.
Variant type: single nucleotide variant.
Coding change: c.476A>G on transcript NM_004171.4 (MANE Select); coding-DNA position 476, A replaced by G.
Protein change: p.Asn159Ser; replaces asparagine 159 with serine.
Molecular consequence: missense variant.
Genome position (GRCh38, 1-based): chr11:35,312,283, T>C on the plus strand (A>G on the coding strand, the complement: SLC1A2 is on the minus strand). VCF-style: chr11-35312283-T-C. GRCh37 (hg19) VCF-style: chr11-35333830-T-C.
Other names: c.449A>G, p.Asn150Ser (NM_001195728.3, NM_001252652.2); short protein forms N150S, N159S.
Identifiers: ClinVar variation 3768415 (VCV003768415.1).